The following is an entry in ClinVar:

NM_004525.3(LRP2):c.2321-1G>T

Gene: LRP2 (LDL receptor related protein 2; minus strand). Cytogenetic location: 2q31.1.
Variant type: single nucleotide variant.
Coding change: c.2321-1G>T on transcript NM_004525.3 (MANE Select); the canonical splice acceptor site of the intron before coding-DNA position 2321, G replaced by T.
Molecular consequence: splice acceptor variant.
Genome position (GRCh38, 1-based): chr2:169,259,218, C>A on the plus strand (G>T on the coding strand, the complement: LRP2 is on the minus strand). VCF-style: chr2-169259218-C-A. GRCh37 (hg19) VCF-style: chr2-170115728-C-A.
Identifiers: ClinVar variation 423750 (VCV000423750.2), dbSNP rs1064796610, ClinGen allele CA16617324.

ClinVar aggregate classification (germline): Likely pathogenic (1 of 4 stars; one submission).

Submission:

GeneDx
Classification: Likely pathogenic. Last evaluated: 2017-02-17. Review status: criteria provided, single submitter. Criteria: GeneDx Variant Classification (06012015). Collection method: clinical testing. Allele origin: germline. Affected: yes.
Comment: The c.2321-1G>T variant in the LRP2 gene has not been reported previously as a pathogenic variant nor as a benign variant, to our knowledge. This splice site variant destroys the canonical splice acceptor site in intron 16. It is predicted to cause abnormal gene splicing, either leading to an abnormal message that is subject to nonsense-mediated mRNA decay, or to an abnormal protein product if the message is used for protein translation. The c.2321-1G>T variant is not observed in large population cohorts (Lek et al., 2016; 1000 Genomes Consortium et al., 2015; Exome Variant Server). We interpret c.2321-1G>T as a likely pathogenic variant.